The following is an entry in ClinVar:

ClinVar aggregate classification (germline): Uncertain significance (1 of 4 stars; one submission).

gnomAD v4.1: 3 of 1,611,054 alleles (0.00019%); no homozygotes.

Submission:

Labcorp Genetics (formerly Invitae), Labcorp
Classification: Uncertain significance. Last evaluated: 2025-02-10. Review status: criteria provided, single submitter. Criteria: Invitae Variant Classification Sherloc (09022015). Collection method: clinical testing. Allele origin: germline.
Comment: This sequence change replaces proline, which is neutral and non-polar, with serine, which is neutral and polar, at codon 450 of the TONSL protein (p.Pro450Ser). This variant is present in population databases (no rsID available, gnomAD 0.006%). This variant has not been reported in the literature in individuals affected with TONSL-related conditions. ClinVar contains an entry for this variant (Variation ID: 1974576). Invitae Evidence Modeling of protein sequence and biophysical properties (such as structural, functional, and spatial information, amino acid conservation, physicochemical variation, residue mobility, and thermodynamic stability) indicates that this missense variant is not expected to disrupt TONSL protein function with a negative predictive value of 80%. In summary, the available evidence is currently insufficient to determine the role of this variant in disease. Therefore, it has been classified as a Variant of Uncertain Significance.

NM_013432.5(TONSL):c.1348C>T (p.Pro450Ser)

Gene: TONSL (tonsoku like, DNA repair protein; minus strand). Cytogenetic location: 8q24.3.
Variant type: single nucleotide variant.
Coding change: c.1348C>T on transcript NM_013432.5 (MANE Select); coding-DNA position 1348, C replaced by T.
Protein change: p.Pro450Ser; replaces proline 450 with serine.
Molecular consequence: missense variant.
Genome position (GRCh38, 1-based): chr8:144,440,153, G>A on the plus strand (C>T on the coding strand, the complement: TONSL is on the minus strand). VCF-style: chr8-144440153-G-A. GRCh37 (hg19) VCF-style: chr8-145665536-G-A.
Other names: short protein forms P450S.
Identifiers: ClinVar variation 1974576 (VCV001974576.5), dbSNP rs1390713394, ClinGen allele CA372668058.